The following is an entry in ClinVar:

ClinVar aggregate classification (germline): Pathogenic (1 of 4 stars; one submission).

Submission:

Athena Diagnostics
Classification: Pathogenic. Last evaluated: 2019-05-14. Review status: criteria provided, single submitter. Criteria: Athena Diagnostics Criteria. Collection method: clinical testing. Allele origin: germline.
Comment: The variant results in a shift of the reading frame, and is therefore predicted to result in the loss of a functional protein. Found in at least one symptomatic patient, and not found in general population data.

NM_000368.5(TSC1):c.2161del (p.Arg721fs)

Gene: TSC1 (TSC complex subunit 1; minus strand). Cytogenetic location: 9q34.13.
Variant type: Deletion.
Coding change: c.2161del on transcript NM_000368.5 (MANE Select); coding-DNA position 2161, one base deleted (C; older notation c.2161delC).
Protein change: p.Arg721fs; shifts the reading frame from arginine 721.
Molecular consequence: frameshift variant.
Genome position (GRCh38, 1-based): chr9:132,903,698, G deleted on the plus strand (C on the coding strand, the reverse complement: TSC1 is on the minus strand); the first of 2 consecutive G bases (chr9:132,903,698-132,903,699); deleting either gives the same sequence. VCF-style (leftmost placement, unchanged base first): chr9-132903697-CG-C. GRCh37 (hg19) VCF-style: chr9-135779084-CG-C.
Other names: c.2158del, p.Arg720fs (NM_001162426.2); c.2008del, p.Arg670fs (NM_001162427.2); c.1798del, p.Arg600fs (NM_001362177.2); short protein forms R670fs, R600fs, R720fs, R721fs.
Identifiers: ClinVar variation 805692 (VCV000805692.1), dbSNP rs1588303890, ClinGen allele CA915947237.